The following is an entry in ClinVar:

NM_001004320.2(AGMO):c.677-3_677-2del

Gene: AGMO (alkylglycerol monooxygenase; minus strand). Cytogenetic location: 7p21.2.
Variant type: Deletion.
Coding change: c.677-3_677-2del on transcript NM_001004320.2 (MANE Select); 3 bases into the intron before coding-DNA position 677 through the canonical splice acceptor site of the intron before coding-DNA position 677, 2 bases deleted (TA; older notation c.677-3_677-2delTA).
Molecular consequence: splice acceptor variant.
Genome position (GRCh38, 1-based): chr7:15,390,907-15,390,908, TA deleted on the plus strand (TA on the coding strand, the reverse complement: AGMO is on the minus strand); deleting any 2 consecutive bases within chr7:15,390,907-15,390,909 gives the same sequence; the c. name uses the placement nearest the transcript's 3' end. VCF-style (leftmost placement, unchanged base first): chr7-15390906-CTA-C. GRCh37 (hg19) VCF-style: chr7-15430531-CTA-C.
Identifiers: ClinVar variation 3252673 (VCV003252673.2), dbSNP rs773771648.

ClinVar aggregate classification (germline): Uncertain significance (1 of 4 stars; one submission).

Submission:

GeneDx
Classification: Uncertain significance. Last evaluated: 2026-03-13. Review status: criteria provided, single submitter. Criteria: GeneDx Variant Classification Process June 2021. Collection method: clinical testing. Allele origin: germline.
Comment: Has not been previously published as pathogenic or benign to our knowledge; In silico analysis is inconclusive as to whether the variant alters gene splicing. In the absence of RNA/functional studies, the actual effect of this sequence change is unknown.